The following is an entry in ClinVar:

NM_000295.5(SERPINA1):c.*1C>T

Gene: SERPINA1 (serpin family A member 1; minus strand). Cytogenetic location: 14q32.13.
Variant type: single nucleotide variant.
Coding change: c.*1C>T on transcript NM_000295.5 (MANE Select); 1 bases downstream of the stop codon, C replaced by T.
Molecular consequence: 3 prime UTR variant.
Genome position (GRCh38, 1-based): chr14:94,378,448, G>A on the plus strand (C>T on the coding strand, the complement: SERPINA1 is on the minus strand). VCF-style: chr14-94378448-G-A. GRCh37 (hg19) VCF-style: chr14-94844785-G-A.
Other names: c.*1C>T (NM_001002235.3, NM_001002236.3, NM_001127700.2 and 7 more transcripts).
Identifiers: ClinVar variation 315022 (VCV000315022.7), dbSNP rs72547410, ClinGen allele CA7327243.

ClinVar aggregate classification (germline): Uncertain significance. Review status: criteria provided, single submitter (1 of 4 stars). 2 submissions from 2 submitters: Uncertain significance (1). 1 of the submissions does not count toward it. Last evaluated 2018-01-13.

Conditions:
SERPINA1-related disorder. Also called: SERPINA1-related condition; SerpinA1-related disorders.
Alpha-1-antitrypsin deficiency (A1ATD). Also called: Alpha1-Antitrypsin Deficiency; AAT deficiency; A1AT deficiency. Identifiers: Orphanet 60, MedGen C0221757, MONDO:0013282, OMIM 613490.

Allele frequency attached by ClinVar (database versions not stated): TOPMed 0.00001; gnomAD 0.00010; gnomAD exomes 0.00030 and 0.00065; ExAC 0.00074; 1000 Genomes Project 30x 0.00078; 1000 Genomes Project 0.00100.
gnomAD v4.1: 465 of 1,614,104 alleles (0.029%); highest among the groups gnomAD compares: South Asian, 0.49%; 3 homozygotes.

Submissions (2):

Illumina Laboratory Services, Illumina
Classification: Uncertain significance for Alpha-1-antitrypsin deficiency. Last evaluated: 2018-01-13. Review status: criteria provided, single submitter. Criteria: ICSL Variant Classification Criteria 13 December 2019. Collection method: clinical testing. Allele origin: germline.

PreventionGenetics, part of Exact Sciences
Classification: Likely benign for SERPINA1-related condition. Last evaluated: 2020-05-13. Review status: no assertion criteria provided. Collection method: clinical testing. Allele origin: germline. Not counted in ClinVar's aggregate classification.
Comment: This variant is classified as likely benign based on ACMG/AMP sequence variant interpretation guidelines (Richards et al. 2015 PMID: 25741868, with internal and published modifications).